The following is an entry in ClinVar:

ClinVar aggregate classification (germline): Uncertain significance. Review status: criteria provided, multiple submitters, no conflicts (2 of 4 stars). 8 submissions from 8 submitters: Uncertain significance (7). 1 of the submissions does not count toward it. Last evaluated 2025-10-07.

Conditions:
Hereditary cancer-predisposing syndrome. Also called: Hereditary Cancer Syndrome; Neoplastic Syndromes, Hereditary; Tumor predisposition; Hereditary neoplastic syndrome. Identifiers: Orphanet 140162, MedGen C0027672, MeSH D009386, MONDO:0015356.
Ataxia-telangiectasia syndrome (AT). Also called: Ataxia telangiectasia (A-T); Ataxia-telangiectasia, complementation group E; LOUIS-BAR SYNDROME; Cerebello-oculocutaneous telangiectasia; Immunodeficiency with ataxia telangiectasia; Ataxia-telangiectasia, complementation group D. Identifiers: Orphanet 100, MedGen C0004135, MONDO:0008840, OMIM 208900.
Familial cancer of breast. Also called: Hereditary breast cancer; hereditary breast carcinoma; BREAST CANCER, FAMILIAL. Identifiers: Orphanet 227535, MedGen C0346153, MONDO:0016419, OMIM 114480. Disease mechanism: loss of function.

Allele frequency attached by ClinVar (database versions not stated): ExAC 0.00001; gnomAD exomes 0.00001 and below 0.00001.
gnomAD v4.1: 6 of 1,613,878 alleles (0.00037%); highest among the groups gnomAD compares: Admixed American, 0.0033%; no homozygotes.

Submissions (8):

Labcorp Genetics (formerly Invitae), Labcorp
Classification: Uncertain significance for Ataxia-telangiectasia syndrome. Last evaluated: 2025-10-07. Review status: criteria provided, single submitter. Criteria: Invitae Variant Classification Sherloc (09022015). Collection method: clinical testing. Allele origin: germline.
Comment: This sequence change replaces lysine, which is basic and polar, with glutamic acid, which is acidic and polar, at codon 1903 of the ATM protein (p.Lys1903Glu). This variant is present in population databases (rs765027485, gnomAD 0.007%). This variant has not been reported in the literature in individuals affected with ATM-related conditions. ClinVar contains an entry for this variant (Variation ID: 229836). Invitae Evidence Modeling of protein sequence and biophysical properties (such as structural, functional, and spatial information, amino acid conservation, physicochemical variation, residue mobility, and thermodynamic stability) indicates that this missense variant is not expected to disrupt ATM protein function with a negative predictive value of 95%. In summary, the available evidence is currently insufficient to determine the role of this variant in disease. Therefore, it has been classified as a Variant of Uncertain Significance.

St. Jude Molecular Pathology, St. Jude Children's Research Hospital
Classification: Uncertain significance for Ataxia-telangiectasia syndrome. Last evaluated: 2024-07-16. Review status: criteria provided, single submitter. Criteria: St. Jude Assertion Criteria 2020. Collection method: clinical testing. Allele origin: germline.
Comment: The ATM c.5707A>G (p.Lys1903Glu) missense change has a maximum subpopulation frequency of 0.006% in gnomAD v2.1.1. The in silico tool REVEL is inconclusive about a pathogenic or benign effect of this variant on protein function, and to our knowledge functional studies have not been performed. To our knowledge, this variant has not been reported in individuals with ataxia telangiectasia. In summary, the evidence currently available is insufficient to determine the clinical significance of this variant. It has therefore been classified as of uncertain significance.

Ambry Genetics
Classification: Uncertain significance for Hereditary cancer-predisposing syndrome. Last evaluated: 2023-11-21. Review status: criteria provided, single submitter. Criteria: Ambry Variant Classification Scheme 2023. Collection method: clinical testing. Allele origin: germline.
Comment: The p.K1903E variant (also known as c.5707A>G), located in coding exon 37 of the ATM gene, results from an A to G substitution at nucleotide position 5707. The lysine at codon 1903 is replaced by glutamic acid, an amino acid with similar properties. This amino acid position is highly conserved in available vertebrate species. In addition, this alteration is predicted to be deleterious by in silico analysis. Since supporting evidence is limited at this time, the clinical significance of this alteration remains unclear.

GeneDx
Classification: Uncertain significance. Last evaluated: 2023-06-29. Review status: criteria provided, single submitter. Criteria: GeneDx Variant Classification Process June 2021. Collection method: clinical testing. Allele origin: germline. Affected: yes.
Comment: Not observed at significant frequency in large population cohorts (gnomAD); In silico analysis supports that this missense variant does not alter protein structure/function; Has not been previously published as pathogenic or benign to our knowledge

Women's Health and Genetics/Laboratory Corporation of America, LabCorp
Classification: Uncertain significance. Last evaluated: 2023-04-27. Review status: criteria provided, single submitter. Criteria: LabCorp Variant Classification Summary - May 2015. Collection method: clinical testing. Allele origin: germline.

Fulgent Genetics
Classification: Uncertain significance for Familial cancer of breast; Ataxia-telangiectasia syndrome. Last evaluated: 2022-05-13. Review status: criteria provided, single submitter. Criteria: ACMG Guidelines, 2015. Collection method: clinical testing. Allele origin: unknown.

Sema4
Classification: Uncertain significance for Hereditary cancer-predisposing syndrome. Last evaluated: 2021-10-27. Review status: criteria provided, single submitter. Criteria: Sema4 Curation Guidelines. Collection method: curation. Allele origin: germline.
Comment: The ATM c.5707A>G (p.K1903E) variant has not been reported in the literature to our knowledge. This variant was observed in 3/251138 chromosomes across all populations in the Genome Aggregation Database (PMID: 32461654). This variant has been reported in ClinVar (Variation ID 229836). Functional studies have not been performed, and in silico predictions of the variant's effect on protein function are inconclusive. Based on the current evidence available, this variant is interpreted as a variant of uncertain significance.

Natera, Inc.
Classification: Uncertain significance for Ataxia-telangiectasia. Last evaluated: 2020-10-22. Review status: no assertion criteria provided. Collection method: clinical testing. Allele origin: germline. Not counted in ClinVar's aggregate classification.

NM_000051.4(ATM):c.5707A>G (p.Lys1903Glu)

Gene: ATM (ATM serine/threonine kinase; plus strand). Cytogenetic location: 11q22.3.
Variant type: single nucleotide variant.
Coding change: c.5707A>G on transcript NM_000051.4 (MANE Select); coding-DNA position 5707, A replaced by G.
Protein change: p.Lys1903Glu; replaces lysine 1903 with glutamic acid.
Molecular consequence: missense variant.
Genome position (GRCh38, 1-based): chr11:108,307,929, A>G. VCF-style: chr11-108307929-A-G. GRCh37 (hg19) VCF-style: chr11-108178656-A-G.
Other names: c.5707A>G, p.Lys1903Glu (NM_001351834.2); short protein forms K1903E.
Identifiers: ClinVar variation 229836 (VCV000229836.26), dbSNP rs765027485, ClinGen allele CA6265761.